The following is an entry in ClinVar:

NM_018941.4(CLN8):c.399G>T (p.Leu133Phe)

Gene: CLN8 (CLN8 transmembrane ER and ERGIC protein; plus strand). Cytogenetic location: 8p23.3.
Variant type: single nucleotide variant.
Coding change: c.399G>T on transcript NM_018941.4 (MANE Select); coding-DNA position 399, G replaced by T.
Protein change: p.Leu133Phe; replaces leucine 133 with phenylalanine.
Molecular consequence: missense variant.
Genome position (GRCh38, 1-based): chr8:1,771,453, G>T. VCF-style: chr8-1771453-G-T. GRCh37 (hg19) VCF-style: chr8-1719619-G-T.
Other names: short protein forms L133F.
Identifiers: ClinVar variation 419577 (VCV000419577.6), dbSNP rs948684101, ClinGen allele CA16618618.

ClinVar aggregate classification (germline): Uncertain significance. Review status: criteria provided, multiple submitters, no conflicts (2 of 4 stars). 3 submissions from 3 submitters: Uncertain significance (2). 1 of the submissions does not count toward it. Last evaluated 2024-02-24.

Conditions:
Neuronal ceroid lipofuscinosis 8 (CLN8). Also called: CLN8-Related Neuronal Ceroid-Lipofuscinosis. Identifiers: Orphanet 168491, Orphanet 228354, Orphanet 79264, MedGen C1838570, MONDO:0010830, OMIM 600143.
Neuronal ceroid lipofuscinosis. Also called: Neuronal Ceroid Lipofuscinoses. Identifiers: Orphanet 216, Orphanet 79263, MedGen C0027877, MONDO:0016295. Disease mechanism: loss of function.

gnomAD v4.1: 9 of 1,614,202 alleles (0.00056%); highest among the groups gnomAD compares: Non-Finnish European, 0.00076%; no homozygotes.

Submissions (3):

Labcorp Genetics (formerly Invitae), Labcorp
Classification: Uncertain significance for Neuronal ceroid lipofuscinosis. Last evaluated: 2024-02-24. Review status: criteria provided, single submitter. Criteria: Invitae Variant Classification Sherloc (09022015). Collection method: clinical testing. Allele origin: germline.
Comment: This sequence change replaces leucine, which is neutral and non-polar, with phenylalanine, which is neutral and non-polar, at codon 133 of the CLN8 protein (p.Leu133Phe). This variant is not present in population databases (gnomAD no frequency). This variant has not been reported in the literature in individuals affected with CLN8-related conditions. ClinVar contains an entry for this variant (Variation ID: 419577). Advanced modeling of protein sequence and biophysical properties (such as structural, functional, and spatial information, amino acid conservation, physicochemical variation, residue mobility, and thermodynamic stability) performed at Invitae indicates that this missense variant is not expected to disrupt CLN8 protein function with a negative predictive value of 80%. In summary, the available evidence is currently insufficient to determine the role of this variant in disease. Therefore, it has been classified as a Variant of Uncertain Significance.

GeneDx
Classification: Uncertain significance. Last evaluated: 2016-06-19. Review status: criteria provided, single submitter. Criteria: GeneDx Variant Classification (06012015). Collection method: clinical testing. Allele origin: germline. Affected: yes.
Comment: A variant of uncertain significance has been identified in the CLN8 gene. The L133F variant has not been published as a pathogenic variant, nor has it been reported as a benign variant to our knowledge. It was not observed in approximately 6,500 individuals of European and African American ancestry in the NHLBI Exome Sequencing Project, indicating it is not a common benign variant in these populations. The L133F variant is a conservative amino acid substitution, which is not likely to impact secondary protein structure as these residues share similar properties. Additionally, this substitution occurs at a position that is not conserved, and in silico analysis predicts this variant likely does not alter the protein structure/function. Therefore, based on the currently available information, it is unclear whether this variant is a pathogenic variant or a rare benign variant.

Natera, Inc.
Classification: Uncertain significance for Neuronal ceroid lipofuscinosis 8. Last evaluated: 2021-10-08. Review status: no assertion criteria provided. Collection method: clinical testing. Allele origin: germline. Not counted in ClinVar's aggregate classification.